The following is an entry in ClinVar:

NM_001042492.3(NF1):c.6818A>G (p.Lys2273Arg)

Gene: NF1 (neurofibromin 1; plus strand). Cytogenetic location: 17q11.2.
Variant type: single nucleotide variant.
Coding change: c.6818A>G on transcript NM_001042492.3 (MANE Select); coding-DNA position 6818, A replaced by G.
Protein change: p.Lys2273Arg; replaces lysine 2273 with arginine.
Molecular consequence: missense variant.
Genome position (GRCh38, 1-based): chr17:31,338,138, A>G. VCF-style: chr17-31338138-A-G. GRCh37 (hg19) VCF-style: chr17-29665156-A-G.
Other names: c.6755A>G, p.Lys2252Arg (NM_000267.4); short protein forms K2252R, K2273R.
Identifiers: ClinVar variation 428947 (VCV000428947.15), dbSNP rs1060500344, ClinGen allele CA399014223.

ClinVar aggregate classification (germline): Pathogenic/Likely pathogenic. Review status: criteria provided, multiple submitters, no conflicts (2 of 4 stars). 6 submissions from 6 submitters: Pathogenic (4); Likely pathogenic (1). 1 of the submissions does not count toward it. Last evaluated 2026-05-01.

Conditions:
Cardiovascular phenotype. Identifiers: MedGen CN230736.
Hereditary cancer-predisposing syndrome. Also called: Hereditary Cancer Syndrome; Tumor predisposition; Hereditary neoplastic syndrome; Neoplastic Syndromes, Hereditary. Identifiers: Orphanet 140162, MedGen C0027672, MeSH D009386, MONDO:0015356.
Neurofibromatosis, type 1 (NF1). Also called: Neurofibromatosis, type I; Peripheral type neurofibromatosis; VON RECKLINGHAUSEN DISEASE; NEUROFIBROMATOSIS, TYPE I, SOMATIC. Identifiers: Orphanet 636, MedGen C0027831, MONDO:0018975, OMIM 162200. Disease mechanism: loss of function.

Submissions (6):

GeneDx
Classification: Likely pathogenic. Last evaluated: 2026-05-01. Review status: criteria provided, single submitter. Criteria: GeneDx Variant Classification Process June 2021. Collection method: clinical testing. Allele origin: germline.
Comment: Not observed at significant frequency in large population cohorts (gnomAD); In silico analysis supports that this variant has a deleterious effect on splicing; In silico analysis suggests that this missense variant does not alter protein structure/function; This variant is associated with the following publications: (PMID: 23656349, 31766501, 32381727, 29673180, 32575496, 26056819)

Ambry Genetics
Classification: Pathogenic for Cardiovascular phenotype; Hereditary cancer-predisposing syndrome. Last evaluated: 2024-09-20. Review status: criteria provided, single submitter. Criteria: Ambry Variant Classification Scheme 2023. Collection method: clinical testing. Allele origin: germline.
Comment: The p.K2252R variant (also known as c.6755A>G), located in coding exon 44 of the NF1 gene, results from an A to G substitution at nucleotide position 6755. This variant was reported in multiple individuals with features consistent with neurofibromatosis type 1 (van Minkelen R et al. Clin Genet, 2014 Apr;85:318-27; Zhang J et al. Sci Rep, 2015 Jun;5:11291; Melloni G et al. Cancers (Basel), 2019 Nov;11:; Zhao S et al. J Med Genet, 2021 Jan;58:41-47; Ambry internal data). The lysine at codon 2252 is replaced by arginine, an amino acid with highly similar properties. This amino acid position is highly conserved in available vertebrate species. In addition, the in silico prediction for this alteration is inconclusive. This variant is considered to be rare based on population cohorts in the Genome Aggregation Database (gnomAD). Based on the supporting evidence, this variant is interpreted as a disease-causing mutation.

NHS Central & South Genomic Laboratory Hub
Classification: Pathogenic for Neurofibromatosis type 1. Last evaluated: 2024-07-01. Review status: criteria provided, single submitter. Criteria: ACMG Guidelines, 2015. Collection method: clinical testing. Allele origin: germline. Affected: yes.

Genomic Medicine Center of Excellence, King Faisal Specialist Hospital and Research Centre
Classification: Pathogenic for Neurofibromatosis, type 1. Last evaluated: 2024-03-29. Review status: criteria provided, single submitter. Criteria: ACMG Guidelines, 2015. Collection method: clinical testing. Allele origin: germline.

Labcorp Genetics (formerly Invitae), Labcorp
Classification: Pathogenic for Neurofibromatosis, type 1. Last evaluated: 2022-06-14. Review status: criteria provided, single submitter. Criteria: Invitae Variant Classification Sherloc (09022015). Collection method: clinical testing. Allele origin: germline.
Comment: Studies have shown that this missense change is associated with altered splicing resulting in an unknown protein product impact (PMID: 31766501). For these reasons, this variant has been classified as Pathogenic. Algorithms developed to predict the effect of missense changes on protein structure and function are either unavailable or do not agree on the potential impact of this missense change (SIFT: "Tolerated"; PolyPhen-2: "Probably Damaging"; Align-GVGD: "Class C0"). ClinVar contains an entry for this variant (Variation ID: 428947). This missense change has been observed in individual(s) with neurofibromatosis type 1 (PMID: 31766501; Invitae). This variant is not present in population databases (gnomAD no frequency). This sequence change replaces lysine, which is basic and polar, with arginine, which is basic and polar, at codon 2252 of the NF1 protein (p.Lys2252Arg).

Foundation for Research in Genetics and Endocrinology, FRIGE's Institute of Human Genetics
Classification: Pathogenic for Neurofibromatosis, type 1. Last evaluated: 2018-12-10. Review status: no assertion criteria provided. Collection method: clinical testing. Allele origin: germline. Inheritance: Autosomal dominant inheritance. Affected: yes. Observed: 1 heterozygote. Not counted in ClinVar's aggregate classification.
Comment: The observed missense variant NM_001042492.2: c.6818A>G(p.Lys2273Arg) in exon-45 of the NF1 gene is present in a hot-spot region consisting of 20 missense/ in-frame variants. The variant is not observed on the gnomAD and 1000 genomes databases. In silico evidence suggests damaging effect by REVEL, dbsvSNV and FATHMM-MKL. The variant has previously been reported in ClinVar as pathogenic/ likely pathogenic (RCV000735821). In summary, the aforementioned variant meets our criteria to be classified as pathogenic based upon absence from controls, literature evidence and in silico evidence.

Literature cited by the submitters: PubMed 23656349 (cited by Ambry Genetics); PubMed 26056819 (cited by Ambry Genetics); PubMed 31766501 (cited by Ambry Genetics and Labcorp Genetics (formerly Invitae), Labcorp); PubMed 32381727 (cited by Ambry Genetics); DOI 10.1038/gim.2015.30 (cited by Foundation for Research in Genetics and Endocrinology, FRIGE's Institute of Human Genetics).